The following is an entry in ClinVar:

NM_000548.5(TSC2):c.1281C>A (p.Ile427=)

Gene: TSC2 (TSC complex subunit 2; plus strand). Cytogenetic location: 16p13.3.
Variant type: single nucleotide variant.
Coding change: c.1281C>A on transcript NM_000548.5 (MANE Select); coding-DNA position 1281, C replaced by A.
Protein change: p.Ile427=; no amino-acid change (isoleucine 427 retained).
Molecular consequence: synonymous variant.
Genome position (GRCh38, 1-based): chr16:2,062,520, C>A. VCF-style: chr16-2062520-C-A. GRCh37 (hg19) VCF-style: chr16-2112521-C-A.
Other names: p.I427I:ATC>ATA; p.Ile427=; c.1281C>A, p.Ile427= (NM_001077183.3, NM_001114382.3, NM_001363528.2 and 3 more transcripts); c.1170C>A, p.Ile390= (NM_001318827.2); c.1134C>A, p.Ile378= (NM_001318829.2); c.681C>A, p.Ile227= (NM_001318831.2); c.1314C>A, p.Ile438= (NM_001318832.2); c.1281C>A (NM_000548.4).
Identifiers: ClinVar variation 49685 (VCV000049685.90), dbSNP rs45478892, ClinGen allele CA014330.
Genomic context (GRCh38, chr16:2,062,520, plus strand): 5'-AGGGGCAGAGGGGCAACACCGGCTCTTCTTTTGACAGGAGTCCTCCCTCCTGAACCTGAT[C>A]TCCTATAGAGCGCAGTCCATCCACCCGGCCAAGGACGGCTGGATTCAGAACCTGCAGGCG-3'
Protein context (NP_000539.2, residues 417-437): QRPESSLLNL[Ile427=]SYRAQSIHPA

ClinVar aggregate classification (germline): Benign/Likely benign. Review status: criteria provided, multiple submitters, no conflicts (2 of 4 stars). 28 submissions from 27 submitters: Benign (15); Likely benign (7). 6 of the submissions do not count toward it. Last evaluated 2026-09-01.

Conditions:
Tuberous sclerosis 2 (TSC2). Identifiers: Orphanet 805, MedGen C1860707, MONDO:0013199, OMIM 613254.
Lymphangiomyomatosis (LAM). Also called: Lymphangioleiomyomatosis; Lymphangioleiomyomatosis, somatic. Identifiers: Orphanet 538, MedGen C0751674, MONDO:0011705, OMIM 606690.
Isolated focal cortical dysplasia type II (FCORD2). Also called: Focal cortical dysplasia type II; CORTICAL DYSPLASIA OF TAYLOR. Identifiers: Orphanet 268994, MedGen C1846385, MONDO:0011818, OMIM 607341, HP:0032051.
Hereditary cancer-predisposing syndrome. Also called: Neoplastic Syndromes, Hereditary; Tumor predisposition; Hereditary Cancer Syndrome; Hereditary neoplastic syndrome. Identifiers: Orphanet 140162, MedGen C0027672, MeSH D009386, MONDO:0015356.
Tuberous sclerosis syndrome (TSC). Also called: Tuberous Sclerosis Complex; Tuberous sclerosis. Identifiers: Orphanet 805, MedGen C0041341, MONDO:0001734.

Allele frequency attached by ClinVar (database versions not stated): gnomAD exomes 0.00175; TOPMed 0.00186; gnomAD 0.00190 and 0.00202; ExAC 0.00216; ESP Exome Variant Server 0.00246.

Submissions (28):

CeGaT Center for Human Genetics Tuebingen
Classification: Likely benign. Last evaluated: 2026-09-01. Review status: criteria provided, single submitter. Criteria: CeGaT Center For Human Genetics Tuebingen Variant Classification Criteria Version 2. Collection method: clinical testing. Allele origin: germline. Affected: yes. Observed: 60 variant alleles.
Comment: TSC2: BP4, BP7, BS1

Labcorp Genetics (formerly Invitae), Labcorp
Classification: Benign for Tuberous sclerosis 2. Last evaluated: 2026-02-03. Review status: criteria provided, single submitter. Criteria: Invitae Variant Classification Sherloc (09022015). Collection method: clinical testing. Allele origin: germline.

ARUP Laboratories, Molecular Genetics and Genomics, ARUP Laboratories
Classification: Benign. Last evaluated: 2025-06-05. Review status: criteria provided, single submitter. Criteria: ARUP Molecular Germline Variant Investigation Process 2024. Collection method: clinical testing. Allele origin: germline.

Myriad Genetics, Inc.
Classification: Benign for Tuberous sclerosis 2. Last evaluated: 2025-05-13. Review status: criteria provided, single submitter. Criteria: Myriad Autosomal Dominant, Autosomal Recessive and X-Linked Classification Criteria (2023). Collection method: clinical testing. Allele origin: unknown.
Comment: This variant is considered benign. This variant is a silent/synonymous amino acid change and it is not expected to impact splicing.

KCCC/NGS Laboratory, Kuwait Cancer Control Center
Classification: Benign for Tuberous sclerosis 2. Last evaluated: 2025-02-01. Review status: criteria provided, single submitter. Criteria: ACMG Guidelines, 2015. Collection method: clinical testing. Allele origin: germline. Affected: no.

Blueprint Genetics
Classification: Likely benign. Last evaluated: 2024-11-15. Review status: criteria provided, single submitter. Criteria: ACMG Guidelines, 2015. Collection method: clinical testing. Allele origin: germline.

All of Us Research Program, National Institutes of Health
Classification: Benign for Tuberous sclerosis syndrome. Last evaluated: 2024-02-05. Review status: criteria provided, single submitter. Criteria: ACMG Guidelines, 2015. Collection method: clinical testing. Allele origin: germline. Inheritance: Autosomal dominant inheritance. Observed: 571 variant alleles, 569 heterozygotes, 2 homozygotes.
Comment: This study involves interpretation of variants in research participants for the purpose of population health screening. Participant phenotype was not available at the time of variant classification. Additional details can be found in publication PMID: 35346344, PMCID: PMC8962531

Color Diagnostics, LLC DBA Color Health
Classification: Benign for Tuberous sclerosis syndrome. Last evaluated: 2022-09-20. Review status: criteria provided, single submitter. Criteria: ACMG Guidelines, 2015. Collection method: clinical testing. Allele origin: germline.

Fulgent Genetics
Classification: Likely benign for Lymphangiomyomatosis; Isolated focal cortical dysplasia type II; Tuberous sclerosis 2. Last evaluated: 2022-04-06. Review status: criteria provided, single submitter. Criteria: ACMG Guidelines, 2015. Collection method: clinical testing. Allele origin: unknown.

Quest Diagnostics Nichols Institute San Juan Capistrano
Classification: Benign. Last evaluated: 2021-12-03. Review status: criteria provided, single submitter. Criteria: Quest Diagnostics criteria. Collection method: clinical testing. Allele origin: unknown.

Genome-Nilou Lab
Classification: Benign for Tuberous sclerosis 2. Last evaluated: 2021-11-07. Review status: criteria provided, single submitter. Criteria: ACMG Guidelines, 2015. Collection method: clinical testing. Allele origin: germline. Affected: no.

Sema4
Classification: Likely benign for Hereditary cancer-predisposing syndrome. Last evaluated: 2021-03-12. Review status: criteria provided, single submitter. Criteria: Sema4 Curation Guidelines. Collection method: curation. Allele origin: germline.

Mayo Clinic Laboratories, Mayo Clinic
Classification: Benign. Last evaluated: 2020-06-21. Review status: criteria provided, single submitter. Criteria: ACMG Guidelines, 2015. Collection method: clinical testing. Allele origin: germline. Observed: 5 variant alleles.

Illumina Laboratory Services, Illumina
Classification: Benign for Tuberous sclerosis syndrome. Last evaluated: 2018-01-13. Review status: criteria provided, single submitter. Criteria: ICSL Variant Classification Criteria 13 December 2019. Collection method: clinical testing. Allele origin: germline.
Comment: This variant was observed in the ICSL laboratory as part of a predisposition screen in an ostensibly healthy population. It had not been previously curated by ICSL or reported in the Human Gene Mutation Database (HGMD: prior to June 1st, 2018), and was therefore a candidate for classification through an automated scoring system. Utilizing variant allele frequency, disease prevalence and penetrance estimates, and inheritance mode, an automated score was calculated to assess if this variant is too frequent to cause the disease. Based on the score and internal cut-off values, a variant classified as benign is not then subjected to further curation. The score for this variant resulted in a classification of benign for this disease.

Athena Diagnostics
Classification: Benign for Tuberous sclerosis 2. Last evaluated: 2017-05-30. Review status: criteria provided, single submitter. Criteria: Athena Diagnostics Criteria. Collection method: clinical testing. Allele origin: germline.

Women's Health and Genetics/Laboratory Corporation of America, LabCorp
Classification: Benign. Last evaluated: 2016-08-23. Review status: criteria provided, single submitter. Criteria: LabCorp Variant Classification Summary - May 2015. Collection method: clinical testing. Allele origin: germline.
Comment: Variant summary: The c.1281C>A (p.Ile427=) in TSC2 gene is a synonymous change that involves a non-conserved nucleotide. 5/5 programs in Alamut predict that this variant does not affect normal splicing, however no functional studies supporting this notion were published at the time of evaluation. The variant is present in the control population dataset of ExAC at frequency of 0.0022 (201/93004 chrs tested), predominantly in individuals of European descent (0.0032; 161/50172). This frequency exceeds the estimated maximum allele frequency for a pathogenic allele in this gene (0.0000068). The variant of interest has been cited as Benign/Likely Benign by multiple reputable databases/clinical laboratories. Taking together, based on the prevalence of this variant in general population the variant was classified as Benign.

Center for Pediatric Genomic Medicine, Children's Mercy Hospital and Clinics
Classification: Benign. Last evaluated: 2016-07-13. Review status: criteria provided, single submitter. Criteria: ACMG Guidelines, 2015. Collection method: clinical testing. Allele origin: germline.

Genetic Services Laboratory, University of Chicago
Classification: Likely benign. Last evaluated: 2015-08-28. Review status: criteria provided, single submitter. Criteria: ACMG Guidelines, 2015. Collection method: clinical testing. Allele origin: germline. Affected: no.

Eurofins Ntd Llc (ga)
Classification: Likely benign. Last evaluated: 2014-12-08. Review status: criteria provided, single submitter. Criteria: EGL Classification Definitions 2015. Collection method: clinical testing. Allele origin: germline. Observed: 1 variant allele, 1 heterozygote.

Ambry Genetics
Classification: Likely benign for Hereditary cancer-predisposing syndrome. Last evaluated: 2014-11-02. Review status: criteria provided, single submitter. Criteria: Ambry Variant Classification Scheme 2023. Collection method: clinical testing. Allele origin: germline.

GeneDx
Classification: Benign. Last evaluated: 2013-10-23. Review status: criteria provided, single submitter. Criteria: GeneDx Variant Classification (06012015). Collection method: clinical testing. Allele origin: germline. Affected: yes.
Comment: This variant is considered likely benign or benign based on one or more of the following criteria: it is a conservative change, it occurs at a poorly conserved position in the protein, it is predicted to be benign by multiple in silico algorithms, and/or has population frequency not consistent with disease.

PreventionGenetics, part of Exact Sciences
Classification: Benign. Review status: criteria provided, single submitter. Criteria: ACMG Guidelines, 2015. Collection method: clinical testing. Allele origin: germline.

Clinical Genetics DNA and cytogenetics Diagnostics Lab, Erasmus MC, Erasmus Medical Center
Classification: Benign. Review status: no assertion criteria provided. Collection method: clinical testing. Allele origin: germline. Affected: yes. Study: VKGL Data-share Consensus. Not counted in ClinVar's aggregate classification.

Clinical Genetics, Academic Medical Center
Classification: Likely benign. Review status: no assertion criteria provided. Collection method: clinical testing. Allele origin: germline. Affected: yes. Study: VKGL Data-share Consensus. Not counted in ClinVar's aggregate classification.

Genome Diagnostics Laboratory, Amsterdam University Medical Center
Classification: Likely benign. Review status: no assertion criteria provided. Collection method: clinical testing. Allele origin: germline. Affected: yes. Study: VKGL Data-share Consensus. Not counted in ClinVar's aggregate classification.

Laboratory of Diagnostic Genome Analysis, Leiden University Medical Center (LUMC)
Classification: Likely benign. Review status: no assertion criteria provided. Collection method: clinical testing. Allele origin: germline. Affected: yes. Study: VKGL Data-share Consensus. Not counted in ClinVar's aggregate classification.

Tuberous sclerosis database (TSC2)
No classification provided. Condition: TSC. Review status: no classification provided. Criteria: Tuberous Sclerosis Database Assertion Criteria 2015. Collection method: curation. Allele origin: germline. Affected: yes. Not counted in ClinVar's aggregate classification.

Tuberous sclerosis database (TSC2)
No classification provided. Condition: LAM. Review status: no classification provided. Criteria: Tuberous Sclerosis Database Assertion Criteria 2015. Collection method: curation. Allele origin: germline. Affected: yes. Not counted in ClinVar's aggregate classification.

Literature cited by the submitters: PubMed 10633137 (cited by Quest Diagnostics Nichols Institute San Juan Capistrano and Athena Diagnostics); PubMed 16114042 (cited by Quest Diagnostics Nichols Institute San Juan Capistrano and Athena Diagnostics); PubMed 10215407 (cited by Quest Diagnostics Nichols Institute San Juan Capistrano and Athena Diagnostics); PubMed 10735580 (cited by Quest Diagnostics Nichols Institute San Juan Capistrano and Athena Diagnostics); PubMed 15798777 (cited by Quest Diagnostics Nichols Institute San Juan Capistrano and Athena Diagnostics).